The following is an entry in ClinVar:

NM_004744.5(LRAT):c.504C>A (p.Cys168Ter)

Gene: LRAT (lecithin retinol acyltransferase; plus strand). Cytogenetic location: 4q32.1.
Variant type: single nucleotide variant.
Coding change: c.504C>A on transcript NM_004744.5 (MANE Select); coding-DNA position 504, C replaced by A.
Protein change: p.Cys168Ter; replaces cysteine 168 with a stop codon.
Molecular consequence: nonsense.
Genome position (GRCh38, 1-based): chr4:154,744,830, C>A. VCF-style: chr4-154744830-C-A. GRCh37 (hg19) VCF-style: chr4-155665982-C-A.
Other names: c.504C>A, p.Cys168Ter (NM_001301645.2); short protein forms C168*.
Identifiers: ClinVar variation 1172717 (VCV001172717.7), dbSNP rs780578479, ClinGen allele CA3115884.

ClinVar aggregate classification (germline): Pathogenic. Review status: criteria provided, multiple submitters, no conflicts (2 of 4 stars). 2 submissions from 2 submitters: Pathogenic (2). Last evaluated 2022-10-28.

Conditions:
Leber congenital amaurosis 14 (LCA14). Identifiers: MedGen C2750063, MONDO:0013231, OMIM 613341.

Allele frequency attached by ClinVar (database versions not stated): gnomAD exomes below 0.00001; ExAC 0.00001.

Submissions (2):

Labcorp Genetics (formerly Invitae), Labcorp
Classification: Pathogenic. Last evaluated: 2022-10-28. Review status: criteria provided, single submitter. Criteria: Invitae Variant Classification Sherloc (09022015). Collection method: clinical testing. Allele origin: germline.
Comment: For these reasons, this variant has been classified as Pathogenic. This sequence change creates a premature translational stop signal (p.Cys168*) in the LRAT gene. While this is not anticipated to result in nonsense mediated decay, it is expected to disrupt the last 63 amino acid(s) of the LRAT protein. This variant is present in population databases (rs780578479, gnomAD 0.003%). This variant has not been reported in the literature in individuals affected with LRAT-related conditions. ClinVar contains an entry for this variant (Variation ID: 1172717). This variant disrupts a region of the LRAT protein in which other variant(s) (p.Leu203*) have been determined to be pathogenic (Invitae). This suggests that this is a clinically significant region of the protein, and that variants that disrupt it are likely to be disease-causing.

DBGen Ocular Genomics
Classification: Pathogenic for Leber congenital amaurosis 14. Last evaluated: 2021-05-25. Review status: criteria provided, single submitter. Criteria: ACMG Guidelines, 2015. Collection method: clinical testing. Allele origin: germline. Affected: yes. Observed: 1 variant allele.